The following is an entry in ClinVar:

ClinVar aggregate classification (germline): Uncertain significance (1 of 4 stars; one submission).

Allele frequency attached by ClinVar (database versions not stated): gnomAD exomes below 0.00001.
gnomAD v4.1: 1 of 1,613,182 alleles (0.000062%); highest among the groups gnomAD compares: Non-Finnish European, 0.000085%; no homozygotes.

Submission:

GeneDx
Classification: Uncertain significance. Last evaluated: 2019-08-16. Review status: criteria provided, single submitter. Criteria: GeneDx Variant Classification Process June 2021. Collection method: clinical testing. Allele origin: germline. Affected: yes.
Comment: Not observed in large population cohorts (Lek et al., 2016); In silico analysis, which includes protein predictors and evolutionary conservation, supports a deleterious effect; Has not been previously published as pathogenic or benign to our knowledge; This variant is associated with the following publications: (PMID: 31872862)

NM_001271.4(CHD2):c.2308C>T (p.Pro770Ser)

Gene: CHD2 (chromodomain helicase DNA binding protein 2; plus strand). Cytogenetic location: 15q26.1.
Variant type: single nucleotide variant.
Coding change: c.2308C>T on transcript NM_001271.4 (MANE Select); coding-DNA position 2308, C replaced by T.
Protein change: p.Pro770Ser; replaces proline 770 with serine.
Molecular consequence: missense variant.
Genome position (GRCh38, 1-based): chr15:92,971,883, C>T. VCF-style: chr15-92971883-C-T. GRCh37 (hg19) VCF-style: chr15-93515113-C-T.
Other names: short protein forms P770S.
Identifiers: ClinVar variation 420361 (VCV000420361.3), dbSNP rs1064794433, ClinGen allele CA16620044.